The following is an entry in ClinVar:

ClinVar aggregate classification (germline): Uncertain significance (1 of 4 stars; one submission).

Submission:

Women's Health and Genetics/Laboratory Corporation of America, LabCorp
Classification: Uncertain significance. Last evaluated: 2024-05-06. Review status: criteria provided, single submitter. Criteria: LabCorp Variant Classification Summary - May 2015. Collection method: clinical testing. Allele origin: germline.
Comment: Variant summary: CACNG2 c.208G>A (p.Glu70Lys) results in a conservative amino acid change in the encoded protein sequence. Three of five in-silico tools predict a damaging effect of the variant on protein function. The variant was absent in 251474 control chromosomes. The available data on variant occurrences in the general population are insufficient to allow any conclusion about variant significance. To our knowledge, no occurrence of c.208G>A in individuals affected with Mental Retardation, Autosomal Dominant 10 and no experimental evidence demonstrating its impact on protein function have been reported. No submitters have cited clinical-significance assessments for this variant to ClinVar. Based on the evidence outlined above, the variant was classified as uncertain significance.

NM_006078.5(CACNG2):c.208G>A (p.Glu70Lys)

Gene: CACNG2 (calcium voltage-gated channel auxiliary subunit gamma 2; minus strand). Cytogenetic location: 22q12.3.
Variant type: single nucleotide variant.
Coding change: c.208G>A on transcript NM_006078.5 (MANE Select); coding-DNA position 208, G replaced by A.
Protein change: p.Glu70Lys; replaces glutamic acid 70 with lysine.
Molecular consequence: missense variant. On other transcripts: non-coding transcript variant (1).
Genome position (GRCh38, 1-based): chr22:36,702,369, C>T on the plus strand (G>A on the coding strand, the complement: CACNG2 is on the minus strand). VCF-style: chr22-36702369-C-T. GRCh37 (hg19) VCF-style: chr22-37098414-C-T.
Other names: c.139G>A, p.Glu47Lys (NM_001379051.1); short protein forms E47K, E70K.
Identifiers: ClinVar variation 3336159 (VCV003336159.1).